The following is an entry in ClinVar:

NM_000245.4(MET):c.1853C>A (p.Thr618Lys)

Gene: MET (MET proto-oncogene, receptor tyrosine kinase; plus strand). Cytogenetic location: 7q31.2.
Variant type: single nucleotide variant.
Coding change: c.1853C>A on transcript NM_000245.4 (MANE Select); coding-DNA position 1853, C replaced by A.
Protein change: p.Thr618Lys; replaces threonine 618 with lysine.
Molecular consequence: missense variant.
Genome position (GRCh38, 1-based): chr7:116,755,506, C>A. VCF-style: chr7-116755506-C-A. GRCh37 (hg19) VCF-style: chr7-116395560-C-A.
Other names: c.1853C>A, p.Thr618Lys (NM_001127500.3, NM_001324401.3); c.563C>A, p.Thr188Lys (NM_001324402.2); short protein forms T188K, T618K.
Identifiers: ClinVar variation 1781366 (VCV001781366.2), dbSNP rs753407699, ClinGen allele CA368978353.

ClinVar aggregate classification (germline): Uncertain significance (1 of 4 stars; one submission).

Conditions:
Hereditary cancer-predisposing syndrome. Also called: Neoplastic Syndromes, Hereditary; Tumor predisposition; Hereditary Cancer Syndrome; Hereditary neoplastic syndrome. Identifiers: Orphanet 140162, MedGen C0027672, MeSH D009386, MONDO:0015356.

Submission:

Ambry Genetics
Classification: Uncertain significance for Hereditary cancer-predisposing syndrome. Last evaluated: 2024-03-01. Review status: criteria provided, single submitter. Criteria: Ambry Variant Classification Scheme 2023. Collection method: clinical testing. Allele origin: germline.
Comment: The p.T618K variant (also known as c.1853C>A), located in coding exon 5 of the MET gene, results from a C to A substitution at nucleotide position 1853. The threonine at codon 618 is replaced by lysine, an amino acid with similar properties. This amino acid position is well conserved in available vertebrate species. In addition, the in silico prediction for this alteration is inconclusive. Since supporting evidence is limited at this time, the clinical significance of this alteration remains unclear.